The following is an entry in ClinVar:

ClinVar aggregate classification (germline): Uncertain significance (1 of 4 stars; one submission).

Allele frequency attached by ClinVar (database versions not stated): ExAC 0.00001; gnomAD exomes below 0.00001; gnomAD 0.00001; ESP Exome Variant Server 0.00008.
gnomAD v4.1: 2 of 1,596,496 alleles (0.00013%); highest among the groups gnomAD compares: African/African-American, 0.0013%; no homozygotes.

Submission:

Labcorp Genetics (formerly Invitae), Labcorp
Classification: Uncertain significance. Last evaluated: 2025-09-09. Review status: criteria provided, single submitter. Criteria: Invitae Variant Classification Sherloc (09022015). Collection method: clinical testing. Allele origin: germline.
Comment: This sequence change replaces cysteine, which is neutral and slightly polar, with tyrosine, which is neutral and polar, at codon 2943 of the HMCN1 protein (p.Cys2943Tyr). This variant is present in population databases (rs142416284, gnomAD 0.0009%). This variant has not been reported in the literature in individuals affected with HMCN1-related conditions. ClinVar contains an entry for this variant (Variation ID: 2847492). An algorithm developed to predict the effect of missense changes on protein structure and function (PolyPhen-2) suggests that this variant is likely to be disruptive. In summary, the available evidence is currently insufficient to determine the role of this variant in disease. Therefore, it has been classified as a Variant of Uncertain Significance.

NM_031935.3(HMCN1):c.8828G>A (p.Cys2943Tyr)

Gene: HMCN1 (hemicentin 1; plus strand). Cytogenetic location: 1q31.1.
Variant type: single nucleotide variant.
Coding change: c.8828G>A on transcript NM_031935.3 (MANE Select); coding-DNA position 8828, G replaced by A.
Protein change: p.Cys2943Tyr; replaces cysteine 2943 with tyrosine.
Molecular consequence: missense variant.
Genome position (GRCh38, 1-based): chr1:186,082,905, G>A. VCF-style: chr1-186082905-G-A. GRCh37 (hg19) VCF-style: chr1-186052037-G-A.
Other names: short protein forms C2943Y.
Identifiers: ClinVar variation 2847492 (VCV002847492.3), dbSNP rs142416284, ClinGen allele CA1293235.